The following is an entry in ClinVar:

ClinVar aggregate classification (germline): Uncertain significance. Review status: criteria provided, multiple submitters, no conflicts (2 of 4 stars). 2 submissions from 2 submitters: Uncertain significance (2). Last evaluated 2025-07-09.

Conditions:
Inborn genetic diseases. Identifiers: MedGen C0950123, MeSH D030342.

Allele frequency attached by ClinVar (database versions not stated): ExAC 0.00001; gnomAD exomes 0.00001; gnomAD 0.00003; TOPMed 0.00005; 1000 Genomes Project 30x 0.00016; 1000 Genomes Project 0.00020.
gnomAD v4.1: 8 of 1,613,918 alleles (0.0005%); highest among the groups gnomAD compares: Admixed American, 0.012%; no homozygotes.

Submissions (2):

Labcorp Genetics (formerly Invitae), Labcorp
Classification: Uncertain significance. Last evaluated: 2025-07-09. Review status: criteria provided, single submitter. Criteria: Invitae Variant Classification Sherloc (09022015). Collection method: clinical testing. Allele origin: germline.
Comment: This sequence change replaces threonine, which is neutral and polar, with proline, which is neutral and non-polar, at codon 164 of the COL10A1 protein (p.Thr164Pro). This variant is present in population databases (rs527396680, gnomAD 0.006%). This variant has not been reported in the literature in individuals affected with COL10A1-related conditions. ClinVar contains an entry for this variant (Variation ID: 2194017). An algorithm developed to predict the effect of missense changes on protein structure and function outputs the following: PolyPhen-2: "Not Available". The proline amino acid residue is found in multiple mammalian species, which suggests that this missense change does not adversely affect protein function. In summary, the available evidence is currently insufficient to determine the role of this variant in disease. Therefore, it has been classified as a Variant of Uncertain Significance.

Ambry Genetics
Classification: Uncertain significance for Inborn genetic diseases. Last evaluated: 2024-05-30. Review status: criteria provided, single submitter. Criteria: Ambry Variant Classification Scheme 2023. Collection method: clinical testing. Allele origin: germline.

NM_000493.4(COL10A1):c.490A>C (p.Thr164Pro)

Genes: COL10A1 (collagen type X alpha 1 chain; minus strand), NT5DC1 (5'-nucleotidase domain containing 1; plus strand). Cytogenetic location: 6q22.1.
Variant type: single nucleotide variant.
Coding change: c.490A>C on transcript NM_000493.4 (MANE Select); coding-DNA position 490, A replaced by C.
Protein change: p.Thr164Pro; replaces threonine 164 with proline.
Molecular consequence: missense variant. On other transcripts: intron variant (1).
Genome position (GRCh38, 1-based): chr6:116,121,626, T>G on the plus strand (A>C on the coding strand, the complement: COL10A1 is on the minus strand). VCF-style: chr6-116121626-T-G. GRCh37 (hg19) VCF-style: chr6-116442789-T-G.
Other names: c.490A>C, p.Thr164Pro (NM_001424106.1, NM_001424107.1); c.529+3681T>G (NM_152729.3); short protein forms T164P.
Identifiers: ClinVar variation 2194017 (VCV002194017.4), dbSNP rs527396680, ClinGen allele CA3968387.
Genomic context (GRCh38, chr6:116,121,626, plus strand): 5'-TACCAGGGACTCCTGGTGCACCCTTTTCTCCAGGAAAGCCCCTGGGTCCTGGGGCTCCTG[T>G]GGGTCCCTGTTGTCCAGGTTTTCCTGGCACAGAAATTCCAGCCGGTCCAGGGATTCCAGG-3'
Protein context (NP_000484.2, residues 154-174): VPGKPGQQGP[Thr164Pro]GAPGPRGFPG